The following is an entry in ClinVar:

ClinVar aggregate classification (germline): Benign (0 of 4 stars; one submission).

Conditions:
DNHD1-related disorder. Also called: DNHD1-related condition.

Allele frequency attached by ClinVar (database versions not stated): gnomAD exomes 0.00323; ExAC 0.01092; gnomAD 0.03258; ESP Exome Variant Server 0.03648; TOPMed 0.03705; 1000 Genomes Project 0.03834; 1000 Genomes Project 30x 0.04013.
gnomAD v4.1: 9,927 of 1,614,156 alleles (0.61%); highest among the groups gnomAD compares: African/African-American, 12%; 533 homozygotes.

Submission:

PreventionGenetics, part of Exact Sciences
Classification: Benign for DNHD1-related condition. Last evaluated: 2020-01-03. Review status: no assertion criteria provided. Collection method: clinical testing. Allele origin: germline.
Comment: This variant is classified as benign based on ACMG/AMP sequence variant interpretation guidelines (Richards et al. 2015 PMID: 25741868, with internal and published modifications).

NM_144666.3(DNHD1):c.1758A>G (p.Leu586=)

Gene: DNHD1 (dynein heavy chain domain 1; plus strand). Cytogenetic location: 11p15.4.
Variant type: single nucleotide variant.
Coding change: c.1758A>G on transcript NM_144666.3 (MANE Select); coding-DNA position 1758, A replaced by G.
Protein change: p.Leu586=; no amino-acid change (leucine 586 retained).
Molecular consequence: synonymous variant.
Genome position (GRCh38, 1-based): chr11:6,520,075, A>G. VCF-style: chr11-6520075-A-G. GRCh37 (hg19) VCF-style: chr11-6541305-A-G.
Other names: c.1758A>G, p.Leu586= (NM_173589.4).
Identifiers: ClinVar variation 3038342 (VCV003038342.2), dbSNP rs16914748, ClinGen allele CA5855681.